The following is an entry in ClinVar:

NM_003482.4(KMT2D):c.10778C>T (p.Ala3593Val)

Gene: KMT2D (lysine methyltransferase 2D; minus strand). Cytogenetic location: 12q13.12.
Variant type: single nucleotide variant.
Coding change: c.10778C>T on transcript NM_003482.4 (MANE Select); coding-DNA position 10778, C replaced by T.
Protein change: p.Ala3593Val; replaces alanine 3593 with valine.
Molecular consequence: missense variant.
Genome position (GRCh38, 1-based): chr12:49,033,927, G>A on the plus strand (C>T on the coding strand, the complement: KMT2D is on the minus strand). VCF-style: chr12-49033927-G-A. GRCh37 (hg19) VCF-style: chr12-49427710-G-A.
Other names: short protein forms A3593V.
Identifiers: ClinVar variation 4699437 (VCV004699437.1).

ClinVar aggregate classification (germline): Uncertain significance (1 of 4 stars; one submission).

Conditions:
Kabuki syndrome. Also called: NIIKAWA-KUROKI SYNDROME; Kabuki make-up syndrome. Identifiers: Orphanet 2322, MedGen C0796004, MONDO:0016512.

Submission:

Labcorp Genetics (formerly Invitae), Labcorp
Classification: Uncertain significance for Kabuki syndrome. Last evaluated: 2025-06-15. Review status: criteria provided, single submitter. Criteria: Invitae Variant Classification Sherloc (09022015). Collection method: clinical testing. Allele origin: germline.
Comment: This sequence change replaces alanine, which is neutral and non-polar, with valine, which is neutral and non-polar, at codon 3593 of the KMT2D protein (p.Ala3593Val). This variant is not present in population databases (gnomAD no frequency). This variant has not been reported in the literature in individuals affected with KMT2D-related conditions. Invitae Evidence Modeling of protein sequence and biophysical properties (such as structural, functional, and spatial information, amino acid conservation, physicochemical variation, residue mobility, and thermodynamic stability) indicates that this missense variant is not expected to disrupt KMT2D protein function with a negative predictive value of 95%. In summary, the available evidence is currently insufficient to determine the role of this variant in disease. Therefore, it has been classified as a Variant of Uncertain Significance.